The following is an entry in ClinVar:

NM_005996.4(TBX3):c.5G>C (p.Ser2Thr)

Genes: TBX3-AS1 (TBX3 antisense RNA 1; plus strand), TBX3 (T-box transcription factor 3; minus strand). Cytogenetic location: 12q24.21.
Variant type: single nucleotide variant.
Coding change: c.5G>C on transcript NM_005996.4 (MANE Select); coding-DNA position 5, G replaced by C.
Protein change: p.Ser2Thr; replaces serine 2 with threonine.
Molecular consequence: missense variant.
Genome position (GRCh38, 1-based): chr12:114,683,196, C>G on the plus strand (G>C on the coding strand, the complement: TBX3 is on the minus strand). VCF-style: chr12-114683196-C-G. GRCh37 (hg19) VCF-style: chr12-115121001-C-G.
Other names: c.5G>C, p.Ser2Thr (NM_016569.4); short protein forms S2T.
Identifiers: ClinVar variation 2786514 (VCV002786514.3), dbSNP rs1869023810, ClinGen allele CA386873584.

ClinVar aggregate classification (germline): Uncertain significance (1 of 4 stars; one submission).

Conditions:
Ulnar-mammary syndrome (UMS). Also called: SCHINZEL SYNDROME; Ulnar-mammary syndrome of Pallister; PALLISTER ULNAR-MAMMARY SYNDROME. Identifiers: Orphanet 3138, MedGen C1866994, MONDO:0008411, OMIM 181450.

Submission:

Labcorp Genetics (formerly Invitae), Labcorp
Classification: Uncertain significance for Ulnar-mammary syndrome. Last evaluated: 2024-06-03. Review status: criteria provided, single submitter. Criteria: Invitae Variant Classification Sherloc (09022015). Collection method: clinical testing. Allele origin: germline.
Comment: This sequence change replaces serine, which is neutral and polar, with threonine, which is neutral and polar, at codon 2 of the TBX3 protein (p.Ser2Thr). This variant is not present in population databases (gnomAD no frequency). This variant has not been reported in the literature in individuals affected with TBX3-related conditions. An algorithm developed to predict the effect of missense changes on protein structure and function (PolyPhen-2) suggests that this variant is likely to be tolerated. In summary, the available evidence is currently insufficient to determine the role of this variant in disease. Therefore, it has been classified as a Variant of Uncertain Significance.